The following is an entry in ClinVar:

ClinVar aggregate classification (germline): Uncertain significance. Review status: criteria provided, multiple submitters, no conflicts (2 of 4 stars). 2 submissions from 2 submitters: Uncertain significance (2). Last evaluated 2022-09-14.

Conditions:
Hereditary cancer-predisposing syndrome. Also called: Hereditary neoplastic syndrome; Neoplastic Syndromes, Hereditary; Tumor predisposition; Hereditary Cancer Syndrome. Identifiers: Orphanet 140162, MedGen C0027672, MeSH D009386, MONDO:0015356.
Ataxia-telangiectasia syndrome (AT). Also called: ATAXIA-TELANGIECTASIA, COMPLEMENTATION GROUP A; ATAXIA-TELANGIECTASIA, FRESNO VARIANT; Ataxia-telangiectasia, complementation group D; AT, COMPLEMENTATION GROUP C; Cerebello-oculocutaneous telangiectasia; Immunodeficiency with ataxia telangiectasia. Identifiers: Orphanet 100, MedGen C0004135, MONDO:0008840, OMIM 208900.

Submissions (2):

Ambry Genetics
Classification: Uncertain significance for Hereditary cancer-predisposing syndrome. Last evaluated: 2022-09-14. Review status: criteria provided, single submitter. Criteria: Ambry Variant Classification Scheme 2023. Collection method: clinical testing. Allele origin: germline.
Comment: The p.A1309P variant (also known as c.3925G>C), located in coding exon 25 of the ATM gene, results from a G to C substitution at nucleotide position 3925. The alanine at codon 1309 is replaced by proline, an amino acid with highly similar properties. This amino acid position is not well conserved in available vertebrate species. In addition, this alteration is predicted to be tolerated by in silico analysis. Since supporting evidence is limited at this time, the clinical significance of this alteration remains unclear.

Labcorp Genetics (formerly Invitae), Labcorp
Classification: Uncertain significance for Ataxia-telangiectasia syndrome. Last evaluated: 2020-06-13. Review status: criteria provided, single submitter. Criteria: Invitae Variant Classification Sherloc (09022015). Collection method: clinical testing. Allele origin: germline.
Comment: In summary, the available evidence is currently insufficient to determine the role of this variant in disease. Therefore, it has been classified as a Variant of Uncertain Significance. Algorithms developed to predict the effect of missense changes on protein structure and function are either unavailable or do not agree on the potential impact of this missense change (SIFT: "Tolerated"; PolyPhen-2: "Possibly Damaging"; Align-GVGD: "Class C0"). This variant has not been reported in the literature in individuals with ATM-related conditions. This variant is not present in population databases (ExAC no frequency). This sequence change replaces alanine with proline at codon 1309 of the ATM protein (p.Ala1309Pro). The alanine residue is weakly conserved and there is a small physicochemical difference between alanine and proline.

NM_000051.4(ATM):c.3925G>C (p.Ala1309Pro)

Gene: ATM (ATM serine/threonine kinase; plus strand). Cytogenetic location: 11q22.3.
Variant type: single nucleotide variant.
Coding change: c.3925G>C on transcript NM_000051.4 (MANE Select); coding-DNA position 3925, G replaced by C.
Protein change: p.Ala1309Pro; replaces alanine 1309 with proline.
Molecular consequence: missense variant.
Genome position (GRCh38, 1-based): chr11:108,284,405, G>C. VCF-style: chr11-108284405-G-C. GRCh37 (hg19) VCF-style: chr11-108155132-G-C.
Other names: c.3925G>C, p.Ala1309Pro (NM_001351834.2); short protein forms A1309P.
Identifiers: ClinVar variation 1044693 (VCV001044693.11), dbSNP rs149711770, ClinGen allele CA382525824.